The following is an entry in ClinVar:

NC_000002.12:g.127418399G>A

Gene: PROC (protein C, inactivator of coagulation factors Va and VIIIa; plus strand). Cytogenetic location: 2q14.3.
Variant type: single nucleotide variant.
Genome position: GRCh38 VCF-style: chr2-127418399-G-A. GRCh37 (hg19) VCF-style: chr2-128175975-G-A.
Identifiers: ClinVar variation 3051025 (VCV003051025.2), dbSNP rs1012749590, ClinGen allele CA55339647.

ClinVar aggregate classification (germline): Likely benign (0 of 4 stars; one submission).

Conditions:
PROC-related disorder. Also called: PROC-related condition.

Allele frequency attached by ClinVar (database versions not stated): TOPMed 0.00005; gnomAD 0.00007; gnomAD exomes 0.00014.

Submission:

PreventionGenetics, part of Exact Sciences
Classification: Likely benign for PROC-related condition. Last evaluated: 2021-10-27. Review status: no assertion criteria provided. Collection method: clinical testing. Allele origin: germline.
Comment: This variant is classified as likely benign based on ACMG/AMP sequence variant interpretation guidelines (Richards et al. 2015 PMID: 25741868, with internal and published modifications).